The following is an entry in ClinVar:

NM_001376.5(DYNC1H1):c.8548A>T (p.Ile2850Phe)

Gene: DYNC1H1 (dynein cytoplasmic 1 heavy chain 1; plus strand). Cytogenetic location: 14q32.31.
Variant type: single nucleotide variant.
Coding change: c.8548A>T on transcript NM_001376.5 (MANE Select); coding-DNA position 8548, A replaced by T.
Protein change: p.Ile2850Phe; replaces isoleucine 2850 with phenylalanine.
Molecular consequence: missense variant.
Genome position (GRCh38, 1-based): chr14:102,022,791, A>T. VCF-style: chr14-102022791-A-T. GRCh37 (hg19) VCF-style: chr14-102489128-A-T.
Other names: short protein forms I2850F.
Identifiers: ClinVar variation 2414215 (VCV002414215.5), dbSNP rs2503789521, ClinGen allele CA391007082.
Genomic context (GRCh38, chr14:102,022,791, plus strand): 5'-ACATGCTGCTCTCCCCACAGACTCGTAGAGGATGAGGAGAGGCGTTGGACTGATGAGAAC[A>T]TCGACACGGTTGCTCTGAAGCACTTCCCTAACATCGACAGAGAGAAGGCAATGAGCCGAC-3'
Protein context (NP_001367.2, residues 2840-2860): DEERRWTDEN[Ile2850Phe]DTVALKHFPN

ClinVar aggregate classification (germline): Uncertain significance (1 of 4 stars; one submission).

Conditions:
Charcot-Marie-Tooth disease axonal type 2O. Also called: CHARCOT-MARIE-TOOTH NEUROPATHY, AXONAL, TYPE 2O; CHARCOT-MARIE-TOOTH DISEASE, AXONAL, AUTOSOMAL DOMINANT, TYPE 2O; Charcot-Marie-Tooth Neuropathy Type 2O; Charcot-Marie-Tooth disease, axonal, type 20. Identifiers: Orphanet 284232, MedGen C3280220, MONDO:0013644, OMIM 614228.

gnomAD v4.1: 2 of 1,614,236 alleles (0.00012%); highest among the groups gnomAD compares: Non-Finnish European, 0.00017%; no homozygotes.

Submission:

Labcorp Genetics (formerly Invitae), Labcorp
Classification: Uncertain significance for Charcot-Marie-Tooth disease axonal type 2O. Last evaluated: 2024-06-17. Review status: criteria provided, single submitter. Criteria: Invitae Variant Classification Sherloc (09022015). Collection method: clinical testing. Allele origin: germline.
Comment: This sequence change replaces isoleucine, which is neutral and non-polar, with phenylalanine, which is neutral and non-polar, at codon 2850 of the DYNC1H1 protein (p.Ile2850Phe). This variant is not present in population databases (gnomAD no frequency). This variant has not been reported in the literature in individuals affected with DYNC1H1-related conditions. ClinVar contains an entry for this variant (Variation ID: 2414215). Advanced modeling of protein sequence and biophysical properties (such as structural, functional, and spatial information, amino acid conservation, physicochemical variation, residue mobility, and thermodynamic stability) has been performed at Invitae for this missense variant, however the output from this modeling did not meet the statistical confidence thresholds required to predict the impact of this variant on DYNC1H1 protein function. In summary, the available evidence is currently insufficient to determine the role of this variant in disease. Therefore, it has been classified as a Variant of Uncertain Significance.